The following is an entry in ClinVar:

NM_001013838.3(CARMIL2):c.2828_2831delinsTGTGGAG (p.Pro943_Pro944delinsLeuTrpArg)

Gene: CARMIL2 (capping protein regulator and myosin 1 linker 2; plus strand). Cytogenetic location: 16q22.1.
Variant type: Indel.
Coding change: c.2828_2831delinsTGTGGAG on transcript NM_001013838.3 (MANE Select); coding-DNA positions 2828 to 2831, CTCC replaced by TGTGGAG.
Protein change: p.Pro943_Pro944delinsLeuTrpArg.
Molecular consequence: inframe indel.
Genome position (GRCh38, 1-based): chr16:67,652,482-67,652,485, CTCC replaced by TGTGGAG. VCF-style: chr16-67652482-CTCC-TGTGGAG. GRCh37 (hg19) VCF-style: chr16-67686385-CTCC-TGTGGAG.
Other names: c.2720_2723delinsTGTGGAG, p.Pro907_Pro908delinsLeuTrpArg (NM_001317026.3).
Identifiers: ClinVar variation 3644477 (VCV003644477.2).
Genomic context (GRCh38, chr16:67,652,482, plus strand): 5'-TTGGGTTGGTGCTCTCCTACCCCAGGCTGAGTTTGTGCCCTCCCCACCAGGATGACAGTC[CTCC>TGTGGAG]ACAGAAATGGCCTGAGCTCAGCCACGGTCTTCACCTGGTCCCCTTCATTCACAGTAAGTC-3'

ClinVar aggregate classification (germline): Uncertain significance (1 of 4 stars; one submission).

Submission:

Labcorp Genetics (formerly Invitae), Labcorp
Classification: Uncertain significance. Last evaluated: 2024-03-04. Review status: criteria provided, single submitter. Criteria: Invitae Variant Classification Sherloc (09022015). Collection method: clinical testing. Allele origin: germline.
Comment: This variant, c.2828_2831delinsTGTGGAG, is a complex sequence change that results in the deletion of 2 and insertion of 3 amino acid(s) in the CARMIL2 protein (p.Pro943_Pro944delinsLeuTrpArg). This variant is not present in population databases (gnomAD no frequency). This variant has not been reported in the literature in individuals affected with CARMIL2-related conditions. Experimental studies and prediction algorithms are not available or were not evaluated, and the functional significance of this variant is currently unknown. In summary, the available evidence is currently insufficient to determine the role of this variant in disease. Therefore, it has been classified as a Variant of Uncertain Significance.